The following is an entry in ClinVar:

NM_001002912.5(ERICH3):c.1489+8A>G

Genes: ERICH3 (glutamate rich 3; minus strand), ERICH3-AS1 (ERICH3 antisense RNA 1; plus strand). Cytogenetic location: 1p31.1.
Variant type: single nucleotide variant.
Coding change: c.1489+8A>G on transcript NM_001002912.5 (MANE Select); 8 bases into the intron after coding-DNA position 1489, A replaced by G.
Molecular consequence: intron variant.
Genome position (GRCh38, 1-based): chr1:74,606,593, T>C on the plus strand (A>G on the coding strand, the complement: ERICH3 is on the minus strand). VCF-style: chr1-74606593-T-C. GRCh37 (hg19) VCF-style: chr1-75072277-T-C.
Identifiers: ClinVar variation 2638881 (VCV002638881.24), dbSNP rs78030038, ClinGen allele CA910703.
Genomic context (GRCh38, chr1:74,606,593, plus strand): 5'-ATCATCACATTTCAAAGACAAACGAAACAGCCACAGCTACAACAAAAGAAACTTGTGTTG[T>C]TGATTACCATATTTTAAAGTATTTTCCTGGTCGTCTTCCAAGACTTCTTGTCCTGGTTTT-3'

ClinVar aggregate classification (germline): Likely benign (1 of 4 stars; one submission).

Allele frequency attached by ClinVar (database versions not stated): 1000 Genomes Project 30x 0.00141; 1000 Genomes Project 0.00160; ESP Exome Variant Server 0.00415; gnomAD 0.00439; gnomAD exomes 0.00467; TOPMed 0.00478; ExAC 0.00571.
gnomAD v4.1: 7,496 of 1,590,670 alleles (0.47%); highest among the groups gnomAD compares: Middle Eastern, 4.4%; 53 homozygotes.

Submission:

CeGaT Center for Human Genetics Tuebingen
Classification: Likely benign. Last evaluated: 2023-05-01. Review status: criteria provided, single submitter. Criteria: CeGaT Center For Human Genetics Tuebingen Variant Classification Criteria Version 2. Collection method: clinical testing. Allele origin: germline. Affected: yes. Observed: 3 variant alleles.
Comment: ERICH3: BP4, BS2